The following is an entry in ClinVar:

ClinVar aggregate classification (germline): Conflicting classifications of pathogenicity. Review status: criteria provided, conflicting classifications (1 of 4 stars). 7 submissions from 7 submitters: Uncertain significance (2); Benign (1); Likely benign (1). 3 of the submissions do not count toward it. Last evaluated 2026-03-11.

Conditions:
TREM2-related disorder. Also called: TREM2-related condition.

Allele frequency attached by ClinVar (database versions not stated): gnomAD 0.00002 and 0.00015; TOPMed 0.00006; ESP Exome Variant Server 0.00008; gnomAD exomes 0.00026 and 0.00044; 1000 Genomes Project 0.00040; ExAC 0.00049; 1000 Genomes Project 30x 0.00062.
gnomAD v4.1: 415 of 1,614,206 alleles (0.026%); highest among the groups gnomAD compares: South Asian, 0.35%; 3 homozygotes.

Submissions (7):

GeneDx
Classification: Uncertain significance. Last evaluated: 2026-03-11. Review status: criteria provided, single submitter. Criteria: GeneDx Variant Classification Process June 2021. Collection method: clinical testing. Allele origin: germline.
Comment: In silico analysis suggests that this variant does not alter splicing; Has not been previously published as pathogenic or benign to our knowledge

Blueprint Genetics
Classification: Likely benign. Last evaluated: 2024-09-27. Review status: criteria provided, single submitter. Criteria: ACMG Guidelines, 2015. Collection method: clinical testing. Allele origin: germline.

Labcorp Genetics (formerly Invitae), Labcorp
Classification: Benign. Last evaluated: 2024-08-31. Review status: criteria provided, single submitter. Criteria: Invitae Variant Classification Sherloc (09022015). Collection method: clinical testing. Allele origin: germline.

Eurofins Ntd Llc (ga)
Classification: Uncertain significance. Last evaluated: 2017-01-26. Review status: criteria provided, single submitter. Criteria: EGL Classification Definitions 2015. Collection method: clinical testing. Allele origin: germline. Observed: 1 variant allele, 1 heterozygote.

PreventionGenetics, part of Exact Sciences
Classification: Likely benign for TREM2-related condition. Last evaluated: 2024-08-10. Review status: no assertion criteria provided. Collection method: clinical testing. Allele origin: germline. Not counted in ClinVar's aggregate classification.
Comment: This variant is classified as likely benign based on ACMG/AMP sequence variant interpretation guidelines (Richards et al. 2015 PMID: 25741868, with internal and published modifications).

Clinical Genetics DNA and cytogenetics Diagnostics Lab, Erasmus MC, Erasmus Medical Center
Classification: Uncertain significance. Review status: no assertion criteria provided. Collection method: clinical testing. Allele origin: germline. Affected: yes. Study: VKGL Data-share Consensus. Not counted in ClinVar's aggregate classification.

Laboratory of Diagnostic Genome Analysis, Leiden University Medical Center (LUMC)
Classification: Uncertain significance. Review status: no assertion criteria provided. Collection method: clinical testing. Allele origin: germline. Affected: yes. Study: VKGL Data-share Consensus. Not counted in ClinVar's aggregate classification.

NM_018965.4(TREM2):c.677-6T>C

Gene: TREM2 (triggering receptor expressed on myeloid cells 2; minus strand). Cytogenetic location: 6p21.1.
Variant type: single nucleotide variant.
Coding change: c.677-6T>C on transcript NM_018965.4 (MANE Select); 6 bases into the intron before coding-DNA position 677, T replaced by C.
Molecular consequence: intron variant.
Genome position (GRCh38, 1-based): chr6:41,158,786, A>G on the plus strand (T>C on the coding strand, the complement: TREM2 is on the minus strand). VCF-style: chr6-41158786-A-G. GRCh37 (hg19) VCF-style: chr6-41126524-A-G.
Other names: c.483-6T>C (NM_001271821.2).
Identifiers: ClinVar variation 499713 (VCV000499713.19), dbSNP rs199910080, ClinGen allele CA3798809.
Genomic context (GRCh38, chr6:41,158,786, plus strand): 5'-TGGGACTTCTCCTGGGCTTTTCCTCCCATCATCTTCCTTCACGTGTCTCTCAGCCCTGCA[A>G]TAGTCCAAGGACTCATGTGGCCCCTCTCGGCACCGCCTCCCATCCCTGCCCAGTCCACCC-3'